The following is an entry in ClinVar:

ClinVar aggregate classification (germline): Conflicting classifications of pathogenicity. Review status: criteria provided, conflicting classifications (1 of 4 stars). 4 submissions from 4 submitters: Uncertain significance (3); Likely benign (1). Last evaluated 2026-05-13.

Conditions:
ATP7B-related disorder. Also called: ATP7B-related condition.
Wilson disease (WND). Also called: Wilson's disease. Identifiers: Orphanet 905, MedGen C0019202, MONDO:0010200, OMIM 277900. Disease mechanism: loss of function.

Allele frequency attached by ClinVar (database versions not stated): TOPMed 0.00012; gnomAD 0.00007.
gnomAD v4.1: 127 of 1,279,920 alleles (0.0099%); highest among the groups gnomAD compares: Middle Eastern, 0.036%; no homozygotes.

Submissions (4):

PreventionGenetics, part of Exact Sciences
Classification: Likely benign for ATP7B-related condition. Last evaluated: 2026-05-13. Review status: criteria provided, single submitter. Criteria: ACMG Guidelines, 2015. Collection method: clinical testing. Allele origin: germline.
Comment: This variant is classified as likely benign based on ACMG/AMP sequence variant interpretation guidelines (Richards et al. 2015 PMID: 25741868, with internal and published modifications).

Fulgent Genetics
Classification: Uncertain significance for Wilson disease. Last evaluated: 2024-01-03. Review status: criteria provided, single submitter. Criteria: ACMG Guidelines, 2015. Collection method: clinical testing. Allele origin: germline.

Illumina Laboratory Services, Illumina
Classification: Uncertain significance for Wilson disease. Last evaluated: 2018-01-13. Review status: criteria provided, single submitter. Criteria: ICSL Variant Classification Criteria 13 December 2019. Collection method: clinical testing. Allele origin: germline.

Breakthrough Genomics
Classification: Uncertain significance. Review status: criteria provided, single submitter. Criteria: ACMG Guidelines, 2015. Collection method: not provided. Allele origin: germline. Inheritance: Autosomal recessive inheritance. Affected: yes.

NM_000053.4(ATP7B):c.-122G>A

Gene: ATP7B (ATPase copper transporting beta; minus strand). Cytogenetic location: 13q14.3.
Variant type: single nucleotide variant.
Coding change: c.-122G>A on transcript NM_000053.4 (MANE Select); 122 bases upstream of the start codon, G replaced by A.
Molecular consequence: genic upstream transcript variant. On other transcripts: 5 prime UTR variant (2), intron variant (11).
Genome position (GRCh38, 1-based): chr13:52,011,459, C>T on the plus strand (G>A on the coding strand, the complement: ATP7B is on the minus strand). VCF-style: chr13-52011459-C-T. GRCh37 (hg19) VCF-style: chr13-52585595-C-T.
Other names: c.-122G>A (NM_001406528.1, NM_001406532.1); c.-54-68G>A (NM_001406541.1, NM_001406531.1, NM_001406527.1 and 7 more transcripts); c.-183-68G>A (NM_001406543.1).
Identifiers: ClinVar variation 312407 (VCV000312407.10), dbSNP rs886050311, ClinGen allele CA10644788.